The following is an entry in ClinVar:

ClinVar aggregate classification (germline): Uncertain significance (1 of 4 stars; one submission).

Conditions:
Cardiovascular phenotype. Identifiers: MedGen CN230736.

Submission:

Ambry Genetics
Classification: Uncertain significance for Cardiovascular phenotype. Last evaluated: 2021-03-08. Review status: criteria provided, single submitter. Criteria: Ambry Variant Classification Scheme 2023. Collection method: clinical testing. Allele origin: germline.
Comment: The p.H318Y variant (also known as c.952C>T), located in coding exon 8 of the SCN10A gene, results from a C to T substitution at nucleotide position 952. The histidine at codon 318 is replaced by tyrosine, an amino acid with similar properties. This amino acid position is not well conserved in available vertebrate species. In addition, the in silico prediction for this alteration is inconclusive. Since supporting evidence is limited at this time, the clinical significance of this alteration remains unclear.

NM_006514.4(SCN10A):c.952C>T (p.His318Tyr)

Gene: SCN10A (sodium voltage-gated channel alpha subunit 10; minus strand). Cytogenetic location: 3p22.2.
Variant type: single nucleotide variant.
Coding change: c.952C>T on transcript NM_006514.4 (MANE Select); coding-DNA position 952, C replaced by T.
Protein change: p.His318Tyr; replaces histidine 318 with tyrosine.
Molecular consequence: missense variant.
Genome position (GRCh38, 1-based): chr3:38,757,158, G>A on the plus strand (C>T on the coding strand, the complement: SCN10A is on the minus strand). VCF-style: chr3-38757158-G-A. GRCh37 (hg19) VCF-style: chr3-38798649-G-A.
Other names: c.952C>T, p.His318Tyr (NM_001293306.2, NM_001293307.2); short protein forms H318Y.
Identifiers: ClinVar variation 1767279 (VCV001767279.2), dbSNP rs2470793428, ClinGen allele CA352170308.